The following is an entry in ClinVar:

NM_001942.4(DSG1):c.2447C>T (p.Ser816Leu)

Genes: DSG1 (desmoglein 1; plus strand), DSG1-AS1 (DSG1 antisense RNA 1; minus strand), LOC126862720 (MED14-independent group 3 enhancer GRCh37_chr18:28933613-28934812; plus strand). Cytogenetic location: 18q12.1.
Variant type: single nucleotide variant.
Coding change: c.2447C>T on transcript NM_001942.4 (MANE Select); coding-DNA position 2447, C replaced by T.
Protein change: p.Ser816Leu; replaces serine 816 with leucine.
Molecular consequence: missense variant.
Genome position (GRCh38, 1-based): chr18:31,354,643, C>T. VCF-style: chr18-31354643-C-T. GRCh37 (hg19) VCF-style: chr18-28934606-C-T.
Other names: short protein forms S816L.
Identifiers: ClinVar variation 1450251 (VCV001450251.10), dbSNP rs372724391, ClinGen allele CA8926359.

ClinVar aggregate classification (germline): Uncertain significance (1 of 4 stars; one submission).

gnomAD v4.1: 28 of 1,614,014 alleles (0.0017%); highest among the groups gnomAD compares: Admixed American, 0.01%; no homozygotes.

Submission:

Labcorp Genetics (formerly Invitae), Labcorp
Classification: Uncertain significance. Last evaluated: 2025-11-27. Review status: criteria provided, single submitter. Criteria: Invitae Variant Classification Sherloc (09022015). Collection method: clinical testing. Allele origin: germline.
Comment: This sequence change replaces serine, which is neutral and polar, with leucine, which is neutral and non-polar, at codon 816 of the DSG1 protein (p.Ser816Leu). This variant is present in population databases (rs372724391, gnomAD 0.01%). This variant has not been reported in the literature in individuals affected with DSG1-related conditions. ClinVar contains an entry for this variant (Variation ID: 1450251). Invitae Evidence Modeling of protein sequence and biophysical properties (such as structural, functional, and spatial information, amino acid conservation, physicochemical variation, residue mobility, and thermodynamic stability) indicates that this missense variant is not expected to disrupt DSG1 protein function with a negative predictive value of 80%. In summary, the available evidence is currently insufficient to determine the role of this variant in disease. Therefore, it has been classified as a Variant of Uncertain Significance.